The following is an entry in ClinVar:

NM_004360.5(CDH1):c.1174G>T (p.Val392Leu)

Gene: CDH1 (cadherin 1; plus strand). Cytogenetic location: 16q22.1.
Variant type: single nucleotide variant.
Coding change: c.1174G>T on transcript NM_004360.5 (MANE Select); coding-DNA position 1174, G replaced by T.
Protein change: p.Val392Leu; replaces valine 392 with leucine.
Molecular consequence: missense variant. On other transcripts: 5 prime UTR variant (2), intron variant (1).
Genome position (GRCh38, 1-based): chr16:68,813,349, G>T. VCF-style: chr16-68813349-G-T. GRCh37 (hg19) VCF-style: chr16-68847252-G-T.
Other names: c.-442G>T (NM_001317185.2); c.-646G>T (NM_001317186.2); c.1137+1086G>T (NM_001317184.2); short protein forms V392L.
Identifiers: ClinVar variation 3659426 (VCV003659426.2).

ClinVar aggregate classification (germline): Uncertain significance (1 of 4 stars; one submission).

Conditions:
Hereditary diffuse gastric adenocarcinoma (HDGC). Also called: DIFFUSE GASTRIC AND LOBULAR BREAST CANCER SYNDROME. Identifiers: Orphanet 26106, MedGen C1708349, MONDO:0007648, OMIM 137215.

Submission:

Labcorp Genetics (formerly Invitae), Labcorp
Classification: Uncertain significance for Hereditary diffuse gastric adenocarcinoma. Last evaluated: 2024-07-13. Review status: criteria provided, single submitter. Criteria: Invitae Variant Classification Sherloc (09022015). Collection method: clinical testing. Allele origin: germline.
Comment: This sequence change replaces valine, which is neutral and non-polar, with leucine, which is neutral and non-polar, at codon 392 of the CDH1 protein (p.Val392Leu). This variant is not present in population databases (gnomAD no frequency). This variant has not been reported in the literature in individuals affected with CDH1-related conditions. An algorithm developed to predict the effect of missense changes on protein structure and function outputs the following: PolyPhen-2: "Benign". The leucine amino acid residue is found in multiple mammalian species, which suggests that this missense change does not adversely affect protein function. In summary, the available evidence is currently insufficient to determine the role of this variant in disease. Therefore, it has been classified as a Variant of Uncertain Significance.